The following is an entry in ClinVar:

NM_020166.5(MCCC1):c.950G>C (p.Gly317Ala)

Gene: MCCC1 (methylcrotonyl-CoA carboxylase subunit 1; minus strand). Cytogenetic location: 3q27.1.
Variant type: single nucleotide variant.
Coding change: c.950G>C on transcript NM_020166.5 (MANE Select); coding-DNA position 950, G replaced by C.
Protein change: p.Gly317Ala; replaces glycine 317 with alanine.
Molecular consequence: missense variant. On other transcripts: non-coding transcript variant (2).
Genome position (GRCh38, 1-based): chr3:183,052,164, C>G on the plus strand (G>C on the coding strand, the complement: MCCC1 is on the minus strand). VCF-style: chr3-183052164-C-G. GRCh37 (hg19) VCF-style: chr3-182769952-C-G.
Other names: c.599G>C, p.Gly200Ala (NM_001293273.2); c.623G>C, p.Gly208Ala (NM_001363880.1); c.950G>C (NM_020166.3); short protein forms G200A, G317A, G208A.
Identifiers: ClinVar variation 645031 (VCV000645031.7), dbSNP rs1577295874, ClinGen allele CA355326479.

ClinVar aggregate classification (germline): Uncertain significance. Review status: criteria provided, multiple submitters, no conflicts (2 of 4 stars). 2 submissions from 2 submitters: Uncertain significance (2). Last evaluated 2025-01-24.

Conditions:
3-methylcrotonyl-CoA carboxylase 1 deficiency (MCC1D). Also called: MCCD TYPE 1; METHYLCROTONYLGLYCINURIA TYPE I; MCC 1 deficiency; 3 Alpha methylcrotonylglycinuria 1. Identifiers: Orphanet 6, MedGen CN028786, MONDO:0008861, OMIM 210200.

Allele frequency attached by ClinVar (database versions not stated): gnomAD exomes below 0.00001; TOPMed below 0.00001.
gnomAD v4.1: 1 of 1,613,980 alleles (0.000062%); highest among the groups gnomAD compares: Non-Finnish European, 0.000085%; no homozygotes.

Submissions (2):

GeneDx
Classification: Uncertain significance. Last evaluated: 2025-01-24. Review status: criteria provided, single submitter. Criteria: GeneDx Variant Classification Process June 2021. Collection method: clinical testing. Allele origin: germline. Affected: yes.
Comment: Not observed at significant frequency in large population cohorts (gnomAD); In silico analysis supports that this missense variant has a deleterious effect on protein structure/function; Has not been previously published as pathogenic or benign to our knowledge

Labcorp Genetics (formerly Invitae), Labcorp
Classification: Uncertain significance for 3-methylcrotonyl-CoA carboxylase 1 deficiency. Last evaluated: 2021-08-30. Review status: criteria provided, single submitter. Criteria: Invitae Variant Classification Sherloc (09022015). Collection method: clinical testing. Allele origin: germline.
Comment: This sequence change replaces glycine with alanine at codon 317 of the MCCC1 protein (p.Gly317Ala). The glycine residue is highly conserved and there is a small physicochemical difference between glycine and alanine. This variant is not present in population databases (ExAC no frequency). This variant has not been reported in the literature in individuals affected with MCCC1-related conditions. Algorithms developed to predict the effect of missense changes on protein structure and function are either unavailable or do not agree on the potential impact of this missense change (SIFT: "Tolerated"; PolyPhen-2: "Probably Damaging"; Align-GVGD: "Class C0"). In summary, the available evidence is currently insufficient to determine the role of this variant in disease. Therefore, it has been classified as a Variant of Uncertain Significance.